The following is an entry in ClinVar:

NM_012401.4(PLXNB2):c.1901G>A (p.Arg634His)

Gene: PLXNB2 (plexin B2; minus strand). Cytogenetic location: 22q13.33.
Variant type: single nucleotide variant.
Coding change: c.1901G>A on transcript NM_012401.4 (MANE Select); coding-DNA position 1901, G replaced by A.
Protein change: p.Arg634His; replaces arginine 634 with histidine.
Molecular consequence: missense variant.
Genome position (GRCh38, 1-based): chr22:50,286,075, C>T on the plus strand (G>A on the coding strand, the complement: PLXNB2 is on the minus strand). VCF-style: chr22-50286075-C-T. GRCh37 (hg19) VCF-style: chr22-50724504-C-T.
Other names: c.1901G>A, p.Arg634His (NM_001376864.1, NM_001376865.1, NM_001376866.1 and 20 more transcripts); short protein forms R634H.
Identifiers: ClinVar variation 3770503 (VCV003770503.13).

ClinVar aggregate classification (germline): Likely benign (1 of 4 stars; one submission).

gnomAD v4.1: 6,794 of 1,611,880 alleles (0.42%); highest among the groups gnomAD compares: Middle Eastern, 1.2%; 20 homozygotes.

Submission:

CeGaT Center for Human Genetics Tuebingen
Classification: Likely benign. Last evaluated: 2026-07-01. Review status: criteria provided, single submitter. Criteria: CeGaT Center For Human Genetics Tuebingen Variant Classification Criteria Version 2. Collection method: clinical testing. Allele origin: germline. Affected: yes. Observed: 10 variant alleles.
Comment: PLXNB2: BP4, BS2